The following is an entry in ClinVar:

ClinVar aggregate classification (germline): Uncertain significance (1 of 4 stars; one submission).

Submission:

GeneDx
Classification: Uncertain significance. Last evaluated: 2024-01-29. Review status: criteria provided, single submitter. Criteria: GeneDx Variant Classification Process June 2021. Collection method: clinical testing. Allele origin: germline. Affected: yes.
Comment: Not observed at significant frequency in large population cohorts (gnomAD); In silico analysis supports that this missense variant does not alter protein structure/function; Has not been previously published as pathogenic or benign to our knowledge

NM_001378418.1(TCF20):c.1359G>C (p.Leu453Phe)

Gene: TCF20 (transcription factor 20; minus strand). Cytogenetic location: 22q13.2.
Variant type: single nucleotide variant.
Coding change: c.1359G>C on transcript NM_001378418.1 (MANE Select); coding-DNA position 1359, G replaced by C.
Protein change: p.Leu453Phe; replaces leucine 453 with phenylalanine.
Molecular consequence: missense variant.
Genome position (GRCh38, 1-based): chr22:42,213,947, C>G on the plus strand (G>C on the coding strand, the complement: TCF20 is on the minus strand). VCF-style: chr22-42213947-C-G. GRCh37 (hg19) VCF-style: chr22-42609953-C-G.
Other names: c.1359G>C, p.Leu453Phe (NM_005650.4, NM_181492.3); short protein forms L453F.
Identifiers: ClinVar variation 3368454 (VCV003368454.1).